The following is an entry in ClinVar:

NM_000038.6(APC):c.5423A>G (p.Asn1808Ser)

Gene: APC (APC regulator of Wnt signaling pathway; plus strand). Cytogenetic location: 5q22.2.
Variant type: single nucleotide variant.
Coding change: c.5423A>G on transcript NM_000038.6 (MANE Select); coding-DNA position 5423, A replaced by G.
Protein change: p.Asn1808Ser; replaces asparagine 1808 with serine.
Molecular consequence: missense variant. On other transcripts: non-coding transcript variant (2).
Genome position (GRCh38, 1-based): chr5:112,841,017, A>G. VCF-style: chr5-112841017-A-G. GRCh37 (hg19) VCF-style: chr5-112176714-A-G.
Other names: c.5423A>G, p.Asn1808Ser (NM_001127510.3, NM_001354895.2, NM_001407450.1); c.5369A>G, p.Asn1790Ser (NM_001127511.3); c.5477A>G, p.Asn1826Ser (NM_001354896.2, NM_001407447.1, NM_001407448.1 and 1 more transcripts); c.5453A>G, p.Asn1818Ser (NM_001354897.2); c.5348A>G, p.Asn1783Ser (NM_001354898.2); c.5339A>G, p.Asn1780Ser (NM_001354899.2); c.5300A>G, p.Asn1767Ser (NM_001354900.2); c.5246A>G, p.Asn1749Ser (NM_001354901.2, NM_001407453.1); and 12 more; short protein forms N1525S, N1648S, N1717S, N1767S, N1780S, N1808S, N1818S, N1826S.
Identifiers: ClinVar variation 2795015 (VCV002795015.4), dbSNP rs778558302, ClinGen allele CA041924.

ClinVar aggregate classification (germline): Uncertain significance. Review status: criteria provided, multiple submitters, no conflicts (2 of 4 stars). 2 submissions from 2 submitters: Uncertain significance (2). Last evaluated 2025-02-04.

Conditions:
Hereditary cancer-predisposing syndrome. Also called: Hereditary Cancer Syndrome; Neoplastic Syndromes, Hereditary; Tumor predisposition; Hereditary neoplastic syndrome. Identifiers: Orphanet 140162, MedGen C0027672, MeSH D009386, MONDO:0015356.
Familial adenomatous polyposis 1 (FAP1). Also called: FAMILIAL ADENOMATOUS POLYPOSIS 1, ATTENUATED; POLYPOSIS, ADENOMATOUS INTESTINAL. Identifiers: MedGen C2713442, MONDO:0021056, OMIM 175100. Disease mechanism: loss of function.

Allele frequency attached by ClinVar (database versions not stated): gnomAD exomes below 0.00001; ExAC 0.00001.
gnomAD v4.1: 4 of 1,611,044 alleles (0.00025%); highest among the groups gnomAD compares: South Asian, 0.0022%; no homozygotes.

Submissions (2):

Ambry Genetics
Classification: Uncertain significance for Hereditary cancer-predisposing syndrome. Last evaluated: 2025-02-04. Review status: criteria provided, single submitter. Criteria: Ambry Variant Classification Scheme 2023. Collection method: clinical testing. Allele origin: germline.
Comment: The p.N1808S variant (also known as c.5423A>G), located in coding exon 15 of the APC gene, results from an A to G substitution at nucleotide position 5423. The asparagine at codon 1808 is replaced by serine, an amino acid with highly similar properties. This amino acid position is conserved. In addition, in silico predictors for this gene do not accurately predict pathogenicity. Based on the available evidence, the clinical significance of this variant remains unclear.

Labcorp Genetics (formerly Invitae), Labcorp
Classification: Uncertain significance for Familial adenomatous polyposis 1. Last evaluated: 2023-11-06. Review status: criteria provided, single submitter. Criteria: Invitae Variant Classification Sherloc (09022015). Collection method: clinical testing. Allele origin: germline.
Comment: This sequence change replaces asparagine, which is neutral and polar, with serine, which is neutral and polar, at codon 1808 of the APC protein (p.Asn1808Ser). This variant is present in population databases (rs778558302, gnomAD 0.003%). This variant has not been reported in the literature in individuals affected with APC-related conditions. Advanced modeling of protein sequence and biophysical properties (such as structural, functional, and spatial information, amino acid conservation, physicochemical variation, residue mobility, and thermodynamic stability) performed at Invitae indicates that this missense variant is not expected to disrupt APC protein function with a negative predictive value of 95%. In summary, the available evidence is currently insufficient to determine the role of this variant in disease. Therefore, it has been classified as a Variant of Uncertain Significance.